The following is an entry in ClinVar:

ClinVar aggregate classification (germline): Uncertain significance (1 of 4 stars; one submission).

Allele frequency attached by ClinVar (database versions not stated): gnomAD exomes below 0.00001.
gnomAD v4.1: 1 of 1,613,872 alleles (0.000062%); highest among the groups gnomAD compares: Non-Finnish European, 0.000085%; no homozygotes.

Submission:

Labcorp Genetics (formerly Invitae), Labcorp
Classification: Uncertain significance. Last evaluated: 2021-05-26. Review status: criteria provided, single submitter. Criteria: Invitae Variant Classification Sherloc (09022015). Collection method: clinical testing. Allele origin: germline.
Comment: Algorithms developed to predict the effect of missense changes on protein structure and function output the following: SIFT: "Deleterious"; PolyPhen-2: "Benign"; Align-GVGD: "Class C0". The glycine amino acid residue is found in multiple mammalian species, suggesting that this missense change does not adversely affect protein function. These predictions have not been confirmed by published functional studies and their clinical significance is uncertain. In summary, the available evidence is currently insufficient to determine the role of this variant in disease. Therefore, it has been classified as a Variant of Uncertain Significance. This variant has not been reported in the literature in individuals with S1PR2-related conditions. This variant is not present in population databases (ExAC no frequency). This sequence change replaces serine with glycine at codon 142 of the S1PR2 protein (p.Ser142Gly). The serine residue is highly conserved and there is a small physicochemical difference between serine and glycine.

NM_004230.4(S1PR2):c.424A>G (p.Ser142Gly)

Gene: S1PR2 (sphingosine-1-phosphate receptor 2; minus strand). Cytogenetic location: 19p13.2.
Variant type: single nucleotide variant.
Coding change: c.424A>G on transcript NM_004230.4 (MANE Select); coding-DNA position 424, A replaced by G.
Protein change: p.Ser142Gly; replaces serine 142 with glycine.
Molecular consequence: missense variant.
Genome position (GRCh38, 1-based): chr19:10,224,482, T>C on the plus strand (A>G on the coding strand, the complement: S1PR2 is on the minus strand). VCF-style: chr19-10224482-T-C. GRCh37 (hg19) VCF-style: chr19-10335158-T-C.
Other names: short protein forms S142G.
Identifiers: ClinVar variation 1356452 (VCV001356452.8), dbSNP rs2145441223, ClinGen allele CA403948414.